The following is an entry in ClinVar:

NM_014956.5(CEP164):c.3501G>C (p.Lys1167Asn)

Gene: CEP164 (centrosomal protein 164; plus strand). Cytogenetic location: 11q23.3.
Variant type: single nucleotide variant.
Coding change: c.3501G>C on transcript NM_014956.5 (MANE Select); coding-DNA position 3501, G replaced by C.
Protein change: p.Lys1167Asn; replaces lysine 1167 with asparagine.
Molecular consequence: missense variant.
Genome position (GRCh38, 1-based): chr11:117,397,313, G>C. VCF-style: chr11-117397313-G-C. GRCh37 (hg19) VCF-style: chr11-117268029-G-C.
Other names: c.3510G>C, p.Lys1170Asn (NM_001271933.2); short protein forms K1167N, K1170N.
Identifiers: ClinVar variation 1516690 (VCV001516690.6), dbSNP rs2136505455, ClinGen allele CA382737354.

ClinVar aggregate classification (germline): Uncertain significance (1 of 4 stars; one submission).

Conditions:
Nephronophthisis 15 (NPHP15). Identifiers: Orphanet 3156, MedGen C3541853, MONDO:0013917, OMIM 614845.

Submission:

Labcorp Genetics (formerly Invitae), Labcorp
Classification: Uncertain significance for Nephronophthisis 15. Last evaluated: 2022-01-26. Review status: criteria provided, single submitter. Criteria: Invitae Variant Classification Sherloc (09022015). Collection method: clinical testing. Allele origin: germline.
Comment: This sequence change replaces lysine, which is basic and polar, with asparagine, which is neutral and polar, at codon 1167 of the CEP164 protein (p.Lys1167Asn). This variant also falls at the last nucleotide of exon 27, which is part of the consensus splice site for this exon. In summary, the available evidence is currently insufficient to determine the role of this variant in disease. Therefore, it has been classified as a Variant of Uncertain Significance. Variants that disrupt the consensus splice site are a relatively common cause of aberrant splicing (PMID: 17576681, 9536098). Algorithms developed to predict the effect of sequence changes on RNA splicing suggest that this variant may disrupt the consensus splice site. Algorithms developed to predict the effect of missense changes on protein structure and function are either unavailable or do not agree on the potential impact of this missense change (SIFT: "Deleterious"; PolyPhen-2: "Benign"; Align-GVGD: "Class C0"). This variant has not been reported in the literature in individuals affected with CEP164-related conditions. This variant is not present in population databases (gnomAD no frequency).

Literature cited by the submitters: PubMed 17576681; PubMed 9536098.